The following is an entry in ClinVar:

ClinVar aggregate classification (germline): Uncertain significance. Review status: criteria provided, multiple submitters, no conflicts (2 of 4 stars). 3 submissions from 3 submitters: Uncertain significance (3). Last evaluated 2024-10-29.

Conditions:
Imerslund-Grasbeck syndrome type 1 (IGS1). Also called: Megaloblastic anemia 1, Finnish type; MEGALOBLASTIC ANEMIA, 1; Imerslund-Gräsbeck syndrome 1. Identifiers: MedGen C4016819, MONDO:0100156, OMIM 261100.
Inborn genetic diseases. Identifiers: MedGen C0950123, MeSH D030342.
Imerslund-Grasbeck syndrome. Also called: Megaloblastic anemia due to inborn errors of metabolism; Imerslund-Gräsbeck syndrome; ENTEROCYTE COBALAMIN MALABSORPTION; ENTEROCYTE INTRINSIC FACTOR RECEPTOR, DEFECT OF; PERNICIOUS ANEMIA, JUVENILE, DUE TO SELECTIVE INTESTINAL MALABSORPTION OF VITAMIN B12, WITH PROTEINURIA. Identifiers: Orphanet 35858, MedGen C4551825, MONDO:0009853.

Allele frequency attached by ClinVar (database versions not stated): gnomAD exomes 0.00008 and 0.00015; ESP Exome Variant Server 0.00015; 1000 Genomes Project 30x 0.00062; TOPMed 0.00005; 1000 Genomes Project 0.00040; ExAC 0.00012.
gnomAD v4.1: 129 of 1,613,836 alleles (0.008%); highest among the groups gnomAD compares: Middle Eastern, 0.049%; no homozygotes.

Submissions (3):

Labcorp Genetics (formerly Invitae), Labcorp
Classification: Uncertain significance for Imerslund-Grasbeck syndrome. Last evaluated: 2024-10-29. Review status: criteria provided, single submitter. Criteria: Invitae Variant Classification Sherloc (09022015). Collection method: clinical testing. Allele origin: germline.
Comment: This sequence change replaces serine, which is neutral and polar, with leucine, which is neutral and non-polar, at codon 3359 of the CUBN protein (p.Ser3359Leu). This variant is present in population databases (rs140566726, gnomAD 0.03%). This variant has not been reported in the literature in individuals affected with CUBN-related conditions. ClinVar contains an entry for this variant (Variation ID: 299370). An algorithm developed to predict the effect of missense changes on protein structure and function (PolyPhen-2) suggests that this variant¬†is likely to be tolerated. In summary, the available evidence is currently insufficient to determine the role of this variant in disease. Therefore, it has been classified as a Variant of Uncertain Significance.

Ambry Genetics
Classification: Uncertain significance for Inborn genetic diseases. Last evaluated: 2022-03-16. Review status: criteria provided, single submitter. Criteria: Ambry Variant Classification Scheme 2023. Collection method: clinical testing. Allele origin: germline.

Illumina Laboratory Services, Illumina
Classification: Uncertain significance for Imerslund-Grasbeck syndrome type 1. Last evaluated: 2018-01-12. Review status: criteria provided, single submitter. Criteria: ICSL Variant Classification Criteria 13 December 2019. Collection method: clinical testing. Allele origin: germline.

NM_001081.4(CUBN):c.10076C>T (p.Ser3359Leu)

Gene: CUBN (cubilin; minus strand). Cytogenetic location: 10p13.
Variant type: single nucleotide variant.
Coding change: c.10076C>T on transcript NM_001081.4 (MANE Select); coding-DNA position 10076, C replaced by T.
Protein change: p.Ser3359Leu; replaces serine 3359 with leucine.
Molecular consequence: missense variant.
Genome position (GRCh38, 1-based): chr10:16,836,339, G>A on the plus strand (C>T on the coding strand, the complement: CUBN is on the minus strand). VCF-style: chr10-16836339-G-A. GRCh37 (hg19) VCF-style: chr10-16878338-G-A.
Other names: short protein forms S3359L.
Identifiers: ClinVar variation 299370 (VCV000299370.8), dbSNP rs140566726, ClinGen allele CA5422486.